The following is an entry in ClinVar:

NM_004655.4(AXIN2):c.1140G>A (p.Lys380=)

Gene: AXIN2 (axin 2; minus strand). Cytogenetic location: 17q24.1.
Variant type: single nucleotide variant.
Coding change: c.1140G>A on transcript NM_004655.4 (MANE Select); coding-DNA position 1140, G replaced by A.
Protein change: p.Lys380=; no amino-acid change (lysine 380 retained).
Molecular consequence: synonymous variant.
Genome position (GRCh38, 1-based): chr17:65,538,263, C>T on the plus strand (G>A on the coding strand, the complement: AXIN2 is on the minus strand). VCF-style: chr17-65538263-C-T. GRCh37 (hg19) VCF-style: chr17-63534381-C-T.
Other names: c.1140G>A, p.Lys380= (NM_001363813.1).
Identifiers: ClinVar variation 3379047 (VCV003379047.3).

ClinVar aggregate classification (germline): Benign/Likely benign. Review status: criteria provided, multiple submitters, no conflicts (2 of 4 stars). 2 submissions from 2 submitters: Benign (1); Likely benign (1). Last evaluated 2024-07-01.

Conditions:
Oligodontia-cancer predisposition syndrome. Also called: TOOTH AGENESIS-COLORECTAL CANCER SYNDROME. Identifiers: Orphanet 300576, MedGen C1837750, MONDO:0012075, OMIM 608615. Disease mechanism: loss of function.

Submissions (2):

Myriad Genetics, Inc.
Classification: Benign for Oligodontia-cancer predisposition syndrome. Last evaluated: 2024-07-01. Review status: criteria provided, single submitter. Criteria: Myriad Autosomal Dominant, Autosomal Recessive and X-Linked Classification Criteria (2023). Collection method: clinical testing. Allele origin: unknown.
Comment: This variant is considered benign. This variant is a silent/synonymous amino acid change and it is not expected to impact splicing.

Labcorp Genetics (formerly Invitae), Labcorp
Classification: Likely benign for Oligodontia-cancer predisposition syndrome. Last evaluated: 2024-04-29. Review status: criteria provided, single submitter. Criteria: Invitae Variant Classification Sherloc (09022015). Collection method: clinical testing. Allele origin: germline.